The following is an entry in ClinVar:

ClinVar aggregate classification (germline): Likely pathogenic. Review status: reviewed by expert panel (3 of 4 stars). 8 submissions from 8 submitters: Likely pathogenic (1). 7 of the submissions do not count toward it. Last evaluated 2025-08-18.

Conditions:
Inherited ovarian cancer (without breast cancer).
BRCA1-related cancer predisposition. Identifiers: MedGen CN377757, MONDO:0700268.
Breast-ovarian cancer, familial, susceptibility to, 1 (BROVCA1). Also called: BRCA1 Hereditary Breast and Ovarian Cancer; OVARIAN CANCER, SUSCEPTIBILITY TO. Identifiers: Orphanet 145, MedGen C2676676, MONDO:0011450, OMIM 604370. Disease mechanism: loss of function.
Hereditary breast ovarian cancer syndrome. Also called: Hereditary breast and ovarian cancer syndrome; Breast and ovarian cancer; Hereditary breast and ovarian cancer syndrome (HBOC); Hereditary breast and/or ovarian cancer syndrome; BRCA1- and BRCA2-Associated Hereditary Breast and Ovarian Cancer; Hereditary breast and ovarian cancer. Identifiers: Orphanet 145, MedGen C0677776, MeSH D061325, MONDO:0003582. Disease mechanism: loss of function.
Breast neoplasm. Also called: Neoplasm of breast; Breast tumor; Neoplasm of the breast; Breast Neoplasms. Identifiers: MedGen C1458155, MeSH D001943, MONDO:0021100, HP:0100013. Disease mechanism: gain of function.
Malignant tumor of breast. Also called: Malignant breast neoplasm; Cancer breast. Identifiers: MedGen C0006142, MONDO:0007254. Disease mechanism: loss of function.

Submissions (9):

ClinGen ENIGMA BRCA1 and BRCA2 Variant Curation Expert Panel, ClinGen
Classification: Likely pathogenic for BRCA1-related cancer predisposition. Last evaluated: 2025-08-18. Review status: reviewed by expert panel. Criteria: CSpec BRCA1/2ACMG Rules Specifications V1.2. Collection method: curation. Allele origin: germline. Inheritance: Autosomal dominant inheritance.
Comment: The c.4963T>C variant in BRCA1 is a missense variant predicted to cause substitution of Serine by Proline at amino acid 1655 (p.(Ser1655Pro)). This variant is absent from gnomAD v2.1 (exomes only, non-cancer subset, read depth ≥25) and gnomAD v3.1 (non-cancer subset, read depth ≥25) (PM2_Supporting met). Reported by two calibrated studies to exhibit protein function similar to pathogenic control variants (PMID:30209399, 35196514) (PS3 met). This BRCA1 missense variant is within a key functional domain and the computational predictor BayesDel (noAF) gives a score of 0.5, above the recommended threshold of 0.28 for prediction of impact on BRCA1 function via protein change. A SpliceAI score of 0 predicts no impact on splicing (score threshold <0.10) (PP3 met). Multifactorial likelihood ratio analysis using clinically calibrated data produced a combined LR for this variant of 0.64 (based on Pathology LR=0.64), which is above the ENIGMA BRCA1/2 VCEP threshold for BP5 (>0.48) and below PP4 (<2.08) (BP5 and PP4 not met; Internal lab contributor). In summary, this variant meets the criteria to be classified as a Likely pathogenic variant for BRCA1-related cancer predisposition based on the ACMG/AMP criteria applied as specified by the ENIGMA BRCA1/2 VCEP (PM2_Supporting, PS3, PP3).

NHS Central & South Genomic Laboratory Hub
Classification: Pathogenic for Inherited ovarian cancer (without breast cancer). Last evaluated: 2025-06-05. Review status: criteria provided, single submitter. Criteria: ACMG Guidelines, 2015. Collection method: clinical testing. Allele origin: germline. Affected: yes. Not counted in ClinVar's aggregate classification.

Institute for Clinical Genetics, University Hospital TU Dresden, University Hospital TU Dresden
Classification: Uncertain significance. Last evaluated: 2021-11-03. Review status: criteria provided, single submitter. Criteria: ACMG Guidelines, 2015. Collection method: clinical testing. Allele origin: germline. Not counted in ClinVar's aggregate classification.

Labcorp Genetics (formerly Invitae), Labcorp
Classification: Pathogenic for Hereditary breast ovarian cancer syndrome. Last evaluated: 2019-10-30. Review status: criteria provided, single submitter. Criteria: Invitae Variant Classification Sherloc (09022015). Collection method: clinical testing. Allele origin: germline. Not counted in ClinVar's aggregate classification.
Comment: For these reasons, this variant has been classified as Pathogenic. This variant disrupts the p.Ser1655 amino acid residue in BRCA1. Other variant(s) that disrupt this residue have been determined to be pathogenic (PMID: 15133502, 15133503, 19200354, 19563646, 24249303, 27767231). This suggests that this residue is clinically-significant, and that variants that disrupt this residue are likely to be disease-causing. This variant has been reported to affect BRCA1 protein function (PMID: 12496477, 30209399). This variant is also known as T5082C in the literature. This variant has been observed in a family affected with breast cancer (PMID: 23469205, 29868112). ClinVar contains an entry for this variant (Variation ID: 373826). This variant is not present in population databases (ExAC no frequency). This sequence change replaces serine with proline at codon 1655 of the BRCA1 protein (p.Ser1655Pro). The serine residue is highly conserved and there is a moderate physicochemical difference between serine and proline.

Mendelics
Classification: Likely pathogenic for Breast-ovarian cancer, familial, susceptibility to, 1. Last evaluated: 2019-05-28. Review status: criteria provided, single submitter. Criteria: Mendelics Assertion Criteria 2017. Collection method: clinical testing. Allele origin: unknown. Not counted in ClinVar's aggregate classification.

Cancer Variant Interpretation Group UK, Institute of Cancer Research, London
Classification: Pathogenic for Hereditary Breast and Ovarian Cancer. Last evaluated: 2018-07-13. Review status: criteria provided, single submitter. Criteria: ACMG Guidelines, 2015. Collection method: clinical testing. Allele origin: germline. Affected: yes. Observed: 5 variant alleles. Not counted in ClinVar's aggregate classification.
Comment: Data used in classification: The variant was observed in 2 independent UK families undergoing clinical diagnostic testing, the denominator of which dataset of clinical testing was 16,600. Case control comparison against ethnically matched population data (2/16,600 in familial cases against 0/63,369 GNOMAD NFE controls passoc=0.005 pexact= 0.04 (PS4). 3 additional families have been identified in the UK (not included in the previous dataset). The variant is also absent in the remainder of the GNOMAD populations (75,263 individuals) (PM2). Located in BRCT1 domain (PM1_supporting). Non-functional using saturation genome editing in haploid BRCA1 cellular model (Findlay et al 2018, BioARchiv) (PS3_mod). BRCA1 c.4963T>A p.Ser1655Thr independently established as pathogenic (PM5). Additional Information (not included in classification): Predicted deleterious on SIFT but benign on Align GVGD and Polyphen. For substitutions to proline, Align-GVGD is known not to score properly if the variant is in an alpha helix (published data and personal communication, Tavtigian).

Clinical and Functional Genomics Group, A.C.Camargo Cancer Center
Classification: Uncertain significance for Breast Cancer. Review status: criteria provided, single submitter. Criteria: Carraro et al. (PLoS One. 2013). Collection method: research. Allele origin: germline. Affected: yes. Not counted in ClinVar's aggregate classification.

Brotman Baty Institute, University of Washington
No classification provided (evidence only). Condition: Breast-ovarian cancer, familial 1. Review status: no classification provided. Collection method: in vitro. Allele origin: not applicable. Functional consequence: functionally_abnormal. Not counted in ClinVar's aggregate classification.
ClinVar note: "not provided" was previously submitted as the classification for the variant. However, the classification appeared to be based only on an observation of functional data so it was converted to no classification on 2025-07-30.

Department of Pathology and Laboratory Medicine, Sinai Health System
Classification: Uncertain significance for Malignant tumor of breast. Review status: no assertion criteria provided. Collection method: clinical testing. Allele origin: unknown. Affected: yes. Study: The Canadian Open Genetics Repository (COGR). Not counted in ClinVar's aggregate classification.
Comment: The BRCA1 p.Ser1655Pro variant was identified in the literature however the frequency of this variant in an affected population was not provided (Flower 2015, Findlay 2018). The variant was also identified in dbSNP (ID: rs1057518639) as "With Uncertain significance allele", ClinVar (classified as uncertain significance by one submitter; as likely pathogenic by Mendelics Analise Genomica; as pathogenic by Cancer Variant Interpretation Group UK). The variant was not identified in LOVD 3.0, UMD-LSDB, the Exome Aggregation Consortium (August 8th 2016), or the Genome Aggregation Database (Feb 27, 2017). The p.Ser1655 residue is conserved in mammals and computational analyses (PolyPhen-2, SIFT, AlignGVGD, BLOSUM, MutationTaster) provide inconsistent predictions regarding the impact to the protein; this information is not very predictive of pathogenicity. The variant occurs outside of the splicing consensus sequence and in silico or computational prediction software programs (SpliceSiteFinder, MaxEntScan, NNSPLICE, GeneSplicer) do not predict a difference in splicing. The variant was identified in DNA methylation profiling to assess pathogenicity of BRCA1 unclassified variants in breast tumor DNA samples and had posterior probability using methylation of only 0.39565 (Flower 2015). In summary, based on the above information the clinical significance of this variant cannot be determined with certainty at this time. This variant is classified as a variant of uncertain significance.

Literature cited by the submitters: PubMed 15133502 (cited by Labcorp Genetics (formerly Invitae), Labcorp); PubMed 15133503 (cited by Labcorp Genetics (formerly Invitae), Labcorp); PubMed 19200354 (cited by Labcorp Genetics (formerly Invitae), Labcorp); PubMed 19563646 (cited by Labcorp Genetics (formerly Invitae), Labcorp); PubMed 24249303 (cited by Labcorp Genetics (formerly Invitae), Labcorp); PubMed 27767231 (cited by Labcorp Genetics (formerly Invitae), Labcorp); PubMed 12496477 (cited by Labcorp Genetics (formerly Invitae), Labcorp); PubMed 30209399 (cited by Labcorp Genetics (formerly Invitae), Labcorp); PubMed 23469205 (cited by Labcorp Genetics (formerly Invitae), Labcorp); PubMed 29868112 (cited by Labcorp Genetics (formerly Invitae), Labcorp); PubMed 24884479 (cited by Clinical and Functional Genomics Group, A.C.Camargo Cancer Center).

NM_007294.4(BRCA1):c.4963T>C (p.Ser1655Pro)

Gene: BRCA1 (BRCA1 DNA repair associated; minus strand). Cytogenetic location: 17q21.31.
Variant type: single nucleotide variant.
Coding change: c.4963T>C on transcript NM_007294.4 (MANE Select); coding-DNA position 4963, T replaced by C.
Protein change: p.Ser1655Pro; replaces serine 1655 with proline.
Molecular consequence: missense variant. On other transcripts: non-coding transcript variant (1).
Genome position (GRCh38, 1-based): chr17:43,070,951, A>G on the plus strand (T>C on the coding strand, the complement: BRCA1 is on the minus strand). VCF-style: chr17-43070951-A-G. GRCh37 (hg19) VCF-style: chr17-41222968-A-G.
Other names: NM_007294.4(BRCA1):c.4963T>C; c.4819T>C, p.Ser1607Pro (NM_001407745.1, NM_001407746.1, NM_001407747.1 and 21 more transcripts); c.4816T>C, p.Ser1606Pro (NM_001407838.1, NM_001407849.1, NM_001407850.1 and 12 more transcripts); c.1654T>C, p.Ser552Pro (NM_001407975.1, NM_001407976.1, NM_001407977.1 and 3 more transcripts); c.1651T>C, p.Ser551Pro (NM_001407979.1, NM_001407980.1, NM_001407981.1 and 13 more transcripts); c.4960T>C, p.Ser1654Pro (NM_001407620.1, NM_001407621.1, NM_001407622.1 and 17 more transcripts); c.4957T>C, p.Ser1653Pro (NM_001407627.1, NM_001407628.1, NM_001407629.1 and 14 more transcripts); c.4954T>C, p.Ser1652Pro (NM_001407644.1, NM_001407645.1); and 71 more; short protein forms S1655P, S1676P, S1608P, S551P, S549P, S1528P, S1542P, S1544P.
Identifiers: ClinVar variation 373826 (VCV000373826.25), dbSNP rs1057518639, ClinGen allele CA10591598.